The following is an entry in ClinVar:

ClinVar aggregate classification (germline): Uncertain significance (1 of 4 stars; one submission).

Conditions:
Familial sleep-related hypermotor epilepsy. Also called: Autosomal Dominant Sleep-Related Hypermotor (Hyperkinetic) Epilepsy. Identifiers: Orphanet 98784, MedGen C3696898, MONDO:0000030.

Submission:

Labcorp Genetics (formerly Invitae), Labcorp
Classification: Uncertain significance. Last evaluated: 2023-07-07. Review status: criteria provided, single submitter. Criteria: Invitae Variant Classification Sherloc (09022015). Collection method: clinical testing. Allele origin: germline.
Comment: This variant has not been reported in the literature in individuals affected with CHRNB2-related conditions. ClinVar contains an entry for this variant (Variation ID: 1522372). Advanced modeling of protein sequence and biophysical properties (such as structural, functional, and spatial information, amino acid conservation, physicochemical variation, residue mobility, and thermodynamic stability) performed at Invitae indicates that this missense variant is not expected to disrupt CHRNB2 protein function. In summary, the available evidence is currently insufficient to determine the role of this variant in disease. Therefore, it has been classified as a Variant of Uncertain Significance. This variant is not present in population databases (gnomAD no frequency). This sequence change replaces arginine, which is basic and polar, with proline, which is neutral and non-polar, at codon 180 of the CHRNB2 protein (p.Arg180Pro).

NM_000748.3(CHRNB2):c.539G>C (p.Arg180Pro)

Gene: CHRNB2 (cholinergic receptor nicotinic beta 2 subunit; plus strand). Cytogenetic location: 1q21.3.
Variant type: single nucleotide variant.
Coding change: c.539G>C on transcript NM_000748.3 (MANE Select); coding-DNA position 539, G replaced by C.
Protein change: p.Arg180Pro; replaces arginine 180 with proline.
Molecular consequence: missense variant.
Genome position (GRCh38, 1-based): chr1:154,571,362, G>C. VCF-style: chr1-154571362-G-C. GRCh37 (hg19) VCF-style: chr1-154543838-G-C.
Other names: short protein forms R180P.
Identifiers: ClinVar variation 1522372 (VCV001522372.6), dbSNP rs768297928, ClinGen allele CA342630264.
Genomic context (GRCh38, chr1:154,571,362, plus strand): 5'-AGCACTTCCCATTTGACCAGCAGAACTGCACCATGAAGTTCCGTTCGTGGACCTACGACC[G>C]CACAGAGATCGACTTGGTGCTGAAGAGTGAGGTGGCCAGCCTGGACGACTTCACACCTAG-3'
Protein context (NP_000739.1, residues 170-190): TMKFRSWTYD[Arg180Pro]TEIDLVLKSE